The following is an entry in ClinVar:

NM_016932.5(SIX2):c.510C>A (p.Asn170Lys)

Gene: SIX2 (SIX homeobox 2; minus strand). Cytogenetic location: 2p21.
Variant type: single nucleotide variant.
Coding change: c.510C>A on transcript NM_016932.5 (MANE Select); coding-DNA position 510, C replaced by A.
Protein change: p.Asn170Lys; replaces asparagine 170 with lysine.
Molecular consequence: missense variant.
Genome position (GRCh38, 1-based): chr2:45,008,601, G>T on the plus strand (C>A on the coding strand, the complement: SIX2 is on the minus strand). VCF-style: chr2-45008601-G-T. GRCh37 (hg19) VCF-style: chr2-45235740-G-T.
Other names: short protein forms N170K.
Identifiers: ClinVar variation 2633406 (VCV002633406.1), dbSNP rs770200234, ClinGen allele CA346801587.

ClinVar aggregate classification (germline): Uncertain significance (1 of 4 stars; one submission).

Conditions:
SIX2-related disorder. Also called: SIX2-related condition.

Submission:

PreventionGenetics, part of Exact Sciences
Classification: Uncertain significance for SIX2-related condition. Last evaluated: 2023-03-28. Review status: criteria provided, single submitter. Criteria: ACMG Guidelines, 2015. Collection method: clinical testing. Allele origin: germline.
Comment: The SIX2 c.510C>A variant is predicted to result in the amino acid substitution p.Asn170Lys. To our knowledge, this variant has not been reported in the literature or in a large population database, indicating this variant is rare. At this time, the clinical significance of this variant is uncertain due to the absence of conclusive functional and genetic evidence.